The following is an entry in ClinVar:

ClinVar aggregate classification (germline): Uncertain significance (1 of 4 stars; one submission).

Conditions:
Myofibrillar myopathy 5. Also called: FILAMINOPATHY, AUTOSOMAL DOMINANT; Filaminopathy (type). Identifiers: Orphanet 171445, MedGen C1836050, MONDO:0012289, OMIM 609524.
Distal myopathy with posterior leg and anterior hand involvement. Also called: WILLIAMS DISTAL MYOPATHY. Identifiers: Orphanet 63273, MedGen C3279722, MONDO:0013550, OMIM 614065.
Hypertrophic cardiomyopathy 26. Also called: Cardiomyopathy, familial hypertrophic, 26. Identifiers: Orphanet 75249, MedGen C4310749, MONDO:0014883, OMIM 617047.

Submission:

Labcorp Genetics (formerly Invitae), Labcorp
Classification: Uncertain significance for Distal myopathy with posterior leg and anterior hand involvement; Myofibrillar myopathy 5; Hypertrophic cardiomyopathy 26. Last evaluated: 2021-12-23. Review status: criteria provided, single submitter. Criteria: Invitae Variant Classification Sherloc (09022015). Collection method: clinical testing. Allele origin: germline.
Comment: This sequence change replaces lysine, which is basic and polar, with glutamic acid, which is acidic and polar, at codon 1541 of the FLNC protein (p.Lys1541Glu). In summary, the available evidence is currently insufficient to determine the role of this variant in disease. Therefore, it has been classified as a Variant of Uncertain Significance. Algorithms developed to predict the effect of missense changes on protein structure and function are either unavailable or do not agree on the potential impact of this missense change (SIFT: "Tolerated"; PolyPhen-2: "Probably Damaging"; Align-GVGD: "Class C0"). This variant has not been reported in the literature in individuals affected with FLNC-related conditions. This variant is not present in population databases (gnomAD no frequency).

NM_001458.5(FLNC):c.4621A>G (p.Lys1541Glu)

Gene: FLNC (filamin C; plus strand). Cytogenetic location: 7q32.1.
Variant type: single nucleotide variant.
Coding change: c.4621A>G on transcript NM_001458.5 (MANE Select); coding-DNA position 4621, A replaced by G.
Protein change: p.Lys1541Glu; replaces lysine 1541 with glutamic acid.
Molecular consequence: missense variant.
Genome position (GRCh38, 1-based): chr7:128,848,601, A>G. VCF-style: chr7-128848601-A-G. GRCh37 (hg19) VCF-style: chr7-128488655-A-G.
Other names: c.4621A>G, p.Lys1541Glu (NM_001127487.2); short protein forms K1541E.
Identifiers: ClinVar variation 2144517 (VCV002144517.4), dbSNP rs1562999451, ClinGen allele CA369202159.